The following is an entry in ClinVar:

NM_000059.4(BRCA2):c.404_405dup (p.Asn136Ter)

Gene: BRCA2 (BRCA2 DNA repair associated; plus strand). Cytogenetic location: 13q13.1.
Variant type: Duplication.
Coding change: c.404_405dup on transcript NM_000059.4 (MANE Select); coding-DNA positions 404 to 405, 2 bases duplicated (TA; older notation c.404_405dupTA).
Protein change: p.Asn136Ter; replaces asparagine 136 with a stop codon.
Molecular consequence: nonsense.
Genome position (GRCh38, 1-based): chr13:32,325,163-32,325,164, TA duplicated. VCF-style (leftmost placement, unchanged base first): chr13-32325162-C-CTA. GRCh37 (hg19) VCF-style: chr13-32899299-C-CTA.
Other names: short protein forms N136*.
Identifiers: ClinVar variation 1074823 (VCV001074823.7), dbSNP rs2137446901, ClinGen allele CA2499222024.

ClinVar aggregate classification (germline): Pathogenic (1 of 4 stars; one submission).

Conditions:
Hereditary breast ovarian cancer syndrome. Also called: Hereditary breast and ovarian cancer; Breast and ovarian cancer; BRCA1- and BRCA2-Associated Hereditary Breast and Ovarian Cancer; Hereditary breast and/or ovarian cancer syndrome; Hereditary breast and ovarian cancer syndrome; Hereditary breast and ovarian cancer syndrome (HBOC). Identifiers: Orphanet 145, MedGen C0677776, MeSH D061325, MONDO:0003582. Disease mechanism: loss of function.

Submission:

Labcorp Genetics (formerly Invitae), Labcorp
Classification: Pathogenic for Hereditary breast ovarian cancer syndrome. Last evaluated: 2018-06-21. Review status: criteria provided, single submitter. Criteria: Invitae Variant Classification Sherloc (09022015). Collection method: clinical testing. Allele origin: germline.
Comment: This sequence change creates a premature translational stop signal (p.Asn136*) in the BRCA2 gene. It is expected to result in an absent or disrupted protein product. This variant is not present in population databases (ExAC no frequency). This variant has not been reported in the literature in individuals with BRCA2-related disease. Loss-of-function variants in BRCA2 are known to be pathogenic (PMID: 20104584). For these reasons, this variant has been classified as Pathogenic.

Literature cited by the submitters: PubMed 20104584.